The following is an entry in ClinVar:

NM_018095.6(KBTBD4):c.940_941insCGCGCA (p.Arg313_Met314insThrArg)

Gene: KBTBD4 (kelch repeat and BTB domain containing 4; minus strand). Cytogenetic location: 11p11.2.
Variant type: Insertion.
Coding change: c.940_941insCGCGCA on transcript NM_018095.6 (MANE Select); coding-DNA positions 940 to 941, CGCGCA inserted.
Protein change: p.Arg313_Met314insThrArg.
Genome position: GRCh38 VCF-style: chr11-47573594-A-ATGCGCG. GRCh37 (hg19) VCF-style: chr11-47595146-A-ATGCGCG.
Other names: c.1039_1040insCGCGCA, p.Arg346_Met347insThrArg (NM_001318716.2); c.1009_1010insCGCGCA, p.Arg336_Met337insThrArg (NM_001318717.2); c.967_968insCGCGCA, p.Arg322_Met323insThrArg (NM_001318718.2, NM_001318719.2); c.961_962insCGCGCA, p.Arg320_Met321insThrArg (NM_001318720.2); c.892_893insCGCGCA, p.Arg297_Met298insThrArg (NM_001318721.2, NM_001318722.2, NM_001318723.2 and 3 more transcripts).
Identifiers: ClinVar variation 4530476 (VCV004530476.1).
Genomic context (GRCh38, chr11:47,573,594, plus strand): 5'-CGGTCCCGAGGCAAAGGAGCACACCACTCCCAGTCAACGGTGGCATTGTTGCACTTCCAC[A>ATGCGCG]TGCGCCGTGGGATGGACCCTCCCACCACATACAAGTCTCCACCATGCTTGCAGGCCGCAG-3'

ClinVar aggregate classification (somatic clinical impact): Tier I - Strong (1 of 4 stars; one submission).

Conditions:
Medulloblastoma non-WNT/non-SHH. Identifiers: MedGen C4330667, MONDO:0850198.

Submission:

Institute for Genomic Medicine (IGM) Clinical Laboratory, Nationwide Children's Hospital
Classification: Tier I - Strong for Medulloblastoma non-WNT/non-SHH. Assertion type: diagnostic. Clinical significance: supports diagnosis. Last evaluated: 2025-05-16. Review status: criteria provided, single submitter. Criteria: AMP/ASCO/CAP Guidelines, 2017. Collection method: clinical testing. Allele origin: somatic. Affected: yes.
Comment: Variant has Tier I (strong) clinical significance as a diagnostic inclusion criterion in medulloblastoma non-WNT/non-SHH, based on the following evidence: 1) Documented in one or more cancer databases (e.g., St. Jude Pecan, COSMIC, CIViC, OncoKB). 2) Appears in one or more well-established professional guidelines (e.g., World Health Organization [WHO]; National Comprehensive Cancer Network [NCCN]) as providing diagnostic, prognostic, or therapeutic information. 3) Information in the literature supports potential biologic effect of variant (PMID: 35379950). 4) Diagnostic for a specific tumor type/classification based on well-powered studies with expert-level consensus (Evidence Level B; PMIDs: 35489737, 28726821, 33172502).

Literature cited by the submitters: PubMed 35379950; PubMed 35489737; PubMed 28726821; PubMed 33172502.